The following is an entry in ClinVar:

ClinVar aggregate classification (germline): Uncertain significance (1 of 4 stars; one submission).

Conditions:
Naxos disease (NXD). Also called: KERATOSIS PALMOPLANTARIS WITH ARRHYTHMOGENIC CARDIOMYOPATHY; MAL DE NAXOS; PALMOPLANTAR KERATODERMA WITH ARRHYTHMOGENIC RIGHT VENTRICULAR CARDIOMYOPATHY AND WOOLLY HAIR; WOOLLY HAIR, PALMOPLANTAR KERATODERMA, AND CARDIAC ABNORMALITIES; CARDIOMYOPATHY, ARRHYTHMOGENIC RIGHT VENTRICULAR, WITH SKIN, HAIR, AND NAIL ABNORMALITIES. Identifiers: Orphanet 34217, MedGen C1832600, MONDO:0011017, OMIM 601214.
Arrhythmogenic right ventricular dysplasia 12. Also called: ARRHYTHMOGENIC RIGHT VENTRICULAR DYSPLASIA, FAMILIAL, 12. Identifiers: MedGen C1969081, MONDO:0012684, OMIM 611528.

gnomAD v4.1: 1 of 1,613,654 alleles (0.000062%); no homozygotes.

Submission:

Labcorp Genetics (formerly Invitae), Labcorp
Classification: Uncertain significance for Arrhythmogenic right ventricular dysplasia 12; Naxos disease. Last evaluated: 2024-12-12. Review status: criteria provided, single submitter. Criteria: Invitae Variant Classification Sherloc (09022015). Collection method: clinical testing. Allele origin: germline.
Comment: This sequence change replaces methionine, which is neutral and non-polar, with lysine, which is basic and polar, at codon 631 of the JUP protein (p.Met631Lys). This variant is not present in population databases (gnomAD no frequency). This variant has not been reported in the literature in individuals affected with JUP-related conditions. An algorithm developed to predict the effect of missense changes on protein structure and function (PolyPhen-2) suggests that this variant is likely to be tolerated. In summary, the available evidence is currently insufficient to determine the role of this variant in disease. Therefore, it has been classified as a Variant of Uncertain Significance.

NM_002230.4(JUP):c.1892T>A (p.Met631Lys)

Gene: JUP (junction plakoglobin; minus strand). Cytogenetic location: 17q21.2.
Variant type: single nucleotide variant.
Coding change: c.1892T>A on transcript NM_002230.4 (MANE Select); coding-DNA position 1892, T replaced by A.
Protein change: p.Met631Lys; replaces methionine 631 with lysine.
Molecular consequence: missense variant.
Genome position (GRCh38, 1-based): chr17:41,757,666, A>T on the plus strand (T>A on the coding strand, the complement: JUP is on the minus strand). VCF-style: chr17-41757666-A-T. GRCh37 (hg19) VCF-style: chr17-39913918-A-T.
Other names: c.1892T>A, p.Met631Lys (NM_001352773.2, NM_001352774.2, NM_001352775.2 and 3 more transcripts); short protein forms M631K.
Identifiers: ClinVar variation 3753250 (VCV003753250.2).